The following is an entry in ClinVar:

ClinVar aggregate classification (germline): Likely pathogenic (1 of 4 stars; one submission).

Conditions:
Succinate-semialdehyde dehydrogenase deficiency (SSADHD). Also called: Succinic Semialdehyde Dehydrogenase Deficiency; SSADH DEFICIENCY; 4-HYDROXYBUTYRIC ACIDURIA; GABA METABOLIC DEFECT. Identifiers: Orphanet 22, MedGen C0268631, MONDO:0010083, OMIM 271980.

Submission:

Elsea Laboratory, Baylor College of Medicine
Classification: Likely pathogenic for Succinate-semialdehyde dehydrogenase deficiency. Last evaluated: 2021-03-08. Review status: criteria provided, single submitter. Criteria: Martin et al. (J Child Neurol. 2021). Collection method: curation. Allele origin: germline. Affected: yes.
Comment: deficient enzyme activity; Catalytic domain

Literature cited by the submitters: PubMed 33203024.

NM_001080.3(ALDH5A1):c.1508C>G (p.Pro503Arg)

Gene: ALDH5A1 (aldehyde dehydrogenase 5 family member A1; plus strand). Cytogenetic location: 6p22.3.
Variant type: single nucleotide variant.
Coding change: c.1508C>G on transcript NM_001080.3 (MANE Select); coding-DNA position 1508, C replaced by G.
Protein change: p.Pro503Arg; replaces proline 503 with arginine.
Molecular consequence: missense variant.
Genome position (GRCh38, 1-based): chr6:24,533,612, C>G. VCF-style: chr6-24533612-C-G. GRCh37 (hg19) VCF-style: chr6-24533840-C-G.
Other names: c.1364C>G, p.Pro455Arg (NM_001368954.1); c.1547C>G, p.Pro516Arg (NM_170740.1); short protein forms P516R, P455R, P503R.
Identifiers: ClinVar variation 1878491 (VCV001878491.4), dbSNP rs2532889271, ClinGen allele CA362967602.
Genomic context (GRCh38, chr6:24,533,612, plus strand): 5'-AGCAGCTGGAAGTGGGCATGGTTGGCGTCAACGAAGGATTAATTTCCTCTGTGGAGTGCC[C>G]TTTTGGTGGAGTGAAGCAGTCCGGCCTTGGGCGAGAGGGGTCCAAGTATGGCATTGATGA-3'
Protein context (NP_001071.1, residues 493-513): NEGLISSVEC[Pro503Arg]FGGVKQSGLG